The following is an entry in ClinVar:

ClinVar aggregate classification (germline): Likely benign (1 of 4 stars; one submission).

Submission:

CeGaT Center for Human Genetics Tuebingen
Classification: Likely benign. Last evaluated: 2024-01-01. Review status: criteria provided, single submitter. Criteria: CeGaT Center For Human Genetics Tuebingen Variant Classification Criteria Version 2. Collection method: clinical testing. Allele origin: germline. Affected: yes. Observed: 1 variant allele.
Comment: QRICH2: PM2:Supporting, BP4, BP7

NM_001388453.1(QRICH2):c.1060A>C (p.Arg354=)

Gene: QRICH2 (glutamine rich 2; minus strand). Cytogenetic location: 17q25.1.
Variant type: single nucleotide variant.
Coding change: c.1060A>C on transcript NM_001388453.1 (MANE Select); coding-DNA position 1060, A replaced by C.
Protein change: p.Arg354=; no amino-acid change (arginine 354 retained).
Molecular consequence: synonymous variant.
Genome position (GRCh38, 1-based): chr17:76,293,667, T>G on the plus strand (A>C on the coding strand, the complement: QRICH2 is on the minus strand). VCF-style: chr17-76293667-T-G. GRCh37 (hg19) VCF-style: chr17-74289748-T-G.
Other names: c.1060A>C, p.Arg354= (NM_032134.3).
Identifiers: ClinVar variation 3026721 (VCV003026721.22), dbSNP rs2510077779, ClinGen allele CA502064100.